The following is an entry in ClinVar:

ClinVar aggregate classification (germline): Uncertain significance. Review status: criteria provided, multiple submitters, no conflicts (2 of 4 stars). 3 submissions from 3 submitters: Uncertain significance (3). Last evaluated 2025-04-14.

Conditions:
Hereditary cancer-predisposing syndrome. Also called: Tumor predisposition; Neoplastic Syndromes, Hereditary; Hereditary Cancer Syndrome; Hereditary neoplastic syndrome. Identifiers: Orphanet 140162, MedGen C0027672, MeSH D009386, MONDO:0015356.
Fumarase deficiency (FMRD). Also called: Fumaric aciduria; Fumarate Hydratase Deficiency. Identifiers: Orphanet 24, MedGen C0342770, MONDO:0011730, OMIM 606812.

Allele frequency attached by ClinVar (database versions not stated): gnomAD exomes below 0.00001.

Submissions (3):

Ambry Genetics
Classification: Uncertain significance for Hereditary cancer-predisposing syndrome. Last evaluated: 2025-04-14. Review status: criteria provided, single submitter. Criteria: Ambry Variant Classification Scheme 2023. Collection method: clinical testing. Allele origin: germline.
Comment: The p.F344L variant (also known as c.1030T>C), located in coding exon 7 of the FH gene, results from a T to C substitution at nucleotide position 1030. The phenylalanine at codon 344 is replaced by leucine, an amino acid with highly similar properties. This amino acid position is highly conserved in available vertebrate species. In addition, this alteration is predicted to be deleterious by in silico analysis. Based on the available evidence, the clinical significance of this variant remains unclear.

Labcorp Genetics (formerly Invitae), Labcorp
Classification: Uncertain significance. Last evaluated: 2024-09-12. Review status: criteria provided, single submitter. Criteria: Invitae Variant Classification Sherloc (09022015). Collection method: clinical testing. Allele origin: germline.
Comment: This sequence change replaces phenylalanine, which is neutral and non-polar, with leucine, which is neutral and non-polar, at codon 344 of the FH protein (p.Phe344Leu). This variant is not present in population databases (gnomAD no frequency). This variant has not been reported in the literature in individuals affected with FH-related conditions. ClinVar contains an entry for this variant (Variation ID: 1771116). Invitae Evidence Modeling of protein sequence and biophysical properties (such as structural, functional, and spatial information, amino acid conservation, physicochemical variation, residue mobility, and thermodynamic stability) indicates that this missense variant is not expected to disrupt FH protein function with a negative predictive value of 95%. In summary, the available evidence is currently insufficient to determine the role of this variant in disease. Therefore, it has been classified as a Variant of Uncertain Significance.

Baylor Genetics
Classification: Uncertain significance for Fumarase deficiency. Last evaluated: 2023-08-31. Review status: criteria provided, single submitter. Criteria: ACMG Guidelines, 2015. Collection method: clinical testing. Allele origin: unknown.

NM_000143.4(FH):c.1030T>C (p.Phe344Leu)

Gene: FH (fumarate hydratase; minus strand). Cytogenetic location: 1q43.
Variant type: single nucleotide variant.
Coding change: c.1030T>C on transcript NM_000143.4 (MANE Select); coding-DNA position 1030, T replaced by C.
Protein change: p.Phe344Leu; replaces phenylalanine 344 with leucine.
Molecular consequence: missense variant.
Genome position (GRCh38, 1-based): chr1:241,504,120, A>G on the plus strand (T>C on the coding strand, the complement: FH is on the minus strand). VCF-style: chr1-241504120-A-G. GRCh37 (hg19) VCF-style: chr1-241667420-A-G.
Other names: short protein forms F344L.
Identifiers: ClinVar variation 1771116 (VCV001771116.6), dbSNP rs2147916143, ClinGen allele CA345438191.